The following is an entry in ClinVar:

ClinVar aggregate classification (germline): Benign. Review status: criteria provided, multiple submitters, no conflicts (2 of 4 stars). 3 submissions from 3 submitters: Benign (3). Last evaluated 2018-11-12.

Conditions:
Junctional epidermolysis bullosa. Identifiers: Orphanet 305, MedGen C0079301, MONDO:0017612.

Allele frequency attached by ClinVar (database versions not stated): 1000 Genomes Project 30x 0.15834; 1000 Genomes Project 0.16034; TOPMed 0.14522; gnomAD 0.13932.

Submissions (3):

GeneDx
Classification: Benign. Last evaluated: 2018-11-12. Review status: criteria provided, single submitter. Criteria: GeneDx Variant Classification Process June 2021. Collection method: clinical testing. Allele origin: germline. Affected: yes.

Illumina Laboratory Services, Illumina
Classification: Benign for Junctional epidermolysis bullosa. Last evaluated: 2018-01-13. Review status: criteria provided, single submitter. Criteria: ICSL Variant Classification Criteria 13 December 2019. Collection method: clinical testing. Allele origin: germline.
Comment: This variant was observed in the ICSL laboratory as part of a predisposition screen in an ostensibly healthy population. It had not been previously curated by ICSL or reported in the Human Gene Mutation Database (HGMD: prior to June 1st, 2018), and was therefore a candidate for classification through an automated scoring system. Utilizing variant allele frequency, disease prevalence and penetrance estimates, and inheritance mode, an automated score was calculated to assess if this variant is too frequent to cause the disease. Based on the score and internal cut-off values, a variant classified as benign is not then subjected to further curation. The score for this variant resulted in a classification of benign for this disease.

Breakthrough Genomics
Classification: Benign. Review status: criteria provided, single submitter. Criteria: ACMG Guidelines, 2015. Collection method: not provided. Allele origin: germline. Inheritance: Autosomal recessive inheritance. Affected: yes.

NM_005562.2(LAMC2):c.-260C>A

Genes: LAMC2 (laminin subunit gamma 2; plus strand), LOC126805948 (MED14-independent group 3 enhancer GRCh37_chr1:183154769-183155968; plus strand). Cytogenetic location: 1q25.3.
Variant type: single nucleotide variant.
Coding change: c.-260C>A on transcript NM_005562.2; 260 bases upstream of the start codon, C replaced by A.
Genome position (GRCh38, 1-based): chr1:183,186,093, C>A. VCF-style: chr1-183186093-C-A. GRCh37 (hg19) VCF-style: chr1-183155228-C-A.
Identifiers: ClinVar variation 293975 (VCV000293975.11), dbSNP rs2276544, ClinGen allele CA10608875.